The following is an entry in ClinVar:

NM_018010.4(IFT57):c.531C>A (p.Ser177Arg)

Gene: IFT57 (intraflagellar transport 57; minus strand). Cytogenetic location: 3q13.13.
Variant type: single nucleotide variant.
Coding change: c.531C>A on transcript NM_018010.4 (MANE Select); coding-DNA position 531, C replaced by A.
Protein change: p.Ser177Arg; replaces serine 177 with arginine.
Molecular consequence: missense variant.
Genome position (GRCh38, 1-based): chr3:108,213,985, G>T on the plus strand (C>A on the coding strand, the complement: IFT57 is on the minus strand). VCF-style: chr3-108213985-G-T. GRCh37 (hg19) VCF-style: chr3-107932832-G-T.
Other names: short protein forms S177R.
Identifiers: ClinVar variation 1390284 (VCV001390284.6), dbSNP rs61760173, ClinGen allele CA353908117.

ClinVar aggregate classification (germline): Uncertain significance (1 of 4 stars; one submission).

Submission:

Labcorp Genetics (formerly Invitae), Labcorp
Classification: Uncertain significance. Last evaluated: 2021-10-30. Review status: criteria provided, single submitter. Criteria: Invitae Variant Classification Sherloc (09022015). Collection method: clinical testing. Allele origin: germline.
Comment: This sequence change replaces serine, which is neutral and polar, with arginine, which is basic and polar, at codon 177 of the IFT57 protein (p.Ser177Arg). This variant is not present in population databases (gnomAD no frequency). This variant has not been reported in the literature in individuals affected with IFT57-related conditions. Algorithms developed to predict the effect of missense changes on protein structure and function (SIFT, PolyPhen-2, Align-GVGD) all suggest that this variant is likely to be tolerated. In summary, the available evidence is currently insufficient to determine the role of this variant in disease. Therefore, it has been classified as a Variant of Uncertain Significance.